The following is an entry in ClinVar:

ClinVar aggregate classification (germline): Uncertain significance. Review status: criteria provided, multiple submitters, no conflicts (2 of 4 stars). 8 submissions from 8 submitters: Uncertain significance (8). Last evaluated 2026-03-03.

Conditions:
Developmental and epileptic encephalopathy, 18 (DEE18). Also called: Early infantile epileptic encephalopathy 18. Identifiers: Orphanet 369894, MedGen C3809624, MONDO:0014201, OMIM 615476.
Inborn genetic diseases. Identifiers: MedGen C0950123, MeSH D030342.

Allele frequency attached by ClinVar (database versions not stated): gnomAD exomes 0.00007 and 0.00001; 1000 Genomes Project 0.00020; TOPMed 0.00026; ExAC 0.00010; gnomAD 0.00020 and 0.00022; 1000 Genomes Project 30x 0.00031; ESP Exome Variant Server 0.00046.
gnomAD v4.1: 52 of 1,614,144 alleles (0.0032%); highest among the groups gnomAD compares: African/African-American, 0.065%; no homozygotes.

Submissions (8):

Dasa
Classification: Uncertain significance. Last evaluated: 2026-03-03. Review status: criteria provided, single submitter. Criteria: DASA Assertion Criteria. Collection method: clinical testing. Allele origin: germline.
Comment: NM_001365999.1(SZT2):c.4064A>G (p.His1355Arg) is a missense variant that results in the substitution of histidine with arginine. This variant is rare in population databases. Computational prediction algorithms are consistent with a benign effect. The currently available literature and clinical evidence are not sufficient to establish a definitive association between this variant and the reported condition. Therefore, this variant is classified as a variant of uncertain significance.

GeneDx
Classification: Uncertain significance. Last evaluated: 2024-10-23. Review status: criteria provided, single submitter. Criteria: GeneDx Variant Classification Process June 2021. Collection method: clinical testing. Allele origin: germline. Affected: yes.
Comment: In silico analysis indicates that this missense variant does not alter protein structure/function; Has not been previously published as pathogenic or benign to our knowledge

Ambry Genetics
Classification: Uncertain significance for Inborn genetic diseases. Last evaluated: 2024-06-25. Review status: criteria provided, single submitter. Criteria: Ambry Variant Classification Scheme 2023. Collection method: clinical testing. Allele origin: germline.

Genome-Nilou Lab
Classification: Uncertain significance for Developmental and epileptic encephalopathy, 18. Last evaluated: 2023-04-11. Review status: criteria provided, single submitter. Criteria: ACMG Guidelines, 2015. Collection method: clinical testing. Allele origin: germline. Affected: no.

Labcorp Genetics (formerly Invitae), Labcorp
Classification: Uncertain significance. Last evaluated: 2022-10-13. Review status: criteria provided, single submitter. Criteria: Invitae Variant Classification Sherloc (09022015). Collection method: clinical testing. Allele origin: germline.
Comment: This sequence change replaces histidine, which is basic and polar, with arginine, which is basic and polar, at codon 1298 of the SZT2 protein (p.His1298Arg). This variant is present in population databases (rs149741610, gnomAD 0.08%). This variant has not been reported in the literature in individuals affected with SZT2-related conditions. ClinVar contains an entry for this variant (Variation ID: 411937). Advanced modeling of protein sequence and biophysical properties (such as structural, functional, and spatial information, amino acid conservation, physicochemical variation, residue mobility, and thermodynamic stability) performed at Invitae indicates that this missense variant is not expected to disrupt SZT2 protein function. In summary, the available evidence is currently insufficient to determine the role of this variant in disease. Therefore, it has been classified as a Variant of Uncertain Significance.

Revvity Omics, Revvity
Classification: Uncertain significance for Developmental and epileptic encephalopathy, 18. Last evaluated: 2021-12-31. Review status: criteria provided, single submitter. Criteria: ACMG Guidelines, 2015. Collection method: clinical testing. Allele origin: germline.

Mayo Clinic Laboratories, Mayo Clinic
Classification: Uncertain significance. Last evaluated: 2020-11-25. Review status: criteria provided, single submitter. Criteria: ACMG Guidelines, 2015. Collection method: clinical testing. Allele origin: germline. Observed: 1 variant allele.

Fulgent Genetics
Classification: Uncertain significance for Developmental and epileptic encephalopathy, 18. Last evaluated: 2018-10-31. Review status: criteria provided, single submitter. Criteria: ACMG Guidelines, 2015. Collection method: clinical testing. Allele origin: unknown.

NM_001365999.1(SZT2):c.4064A>G (p.His1355Arg)

Gene: SZT2 (SZT2 subunit of KICSTOR complex; plus strand). Cytogenetic location: 1p34.2.
Variant type: single nucleotide variant.
Coding change: c.4064A>G on transcript NM_001365999.1 (MANE Select); coding-DNA position 4064, A replaced by G.
Protein change: p.His1355Arg; replaces histidine 1355 with arginine.
Molecular consequence: missense variant.
Genome position (GRCh38, 1-based): chr1:43,428,384, A>G. VCF-style: chr1-43428384-A-G. GRCh37 (hg19) VCF-style: chr1-43894055-A-G.
Other names: c.3893A>G, p.His1298Arg (NM_015284.4); short protein forms H1298R, H1355R.
Identifiers: ClinVar variation 411937 (VCV000411937.30), dbSNP rs149741610, ClinGen allele CA809171.